The following is an entry in ClinVar:

NM_032608.7(MYO18B):c.3035C>T (p.Ala1012Val)

Gene: MYO18B (myosin XVIIIB; plus strand). Cytogenetic location: 22q12.1.
Variant type: single nucleotide variant.
Coding change: c.3035C>T on transcript NM_032608.7 (MANE Select); coding-DNA position 3035, C replaced by T.
Protein change: p.Ala1012Val; replaces alanine 1012 with valine.
Molecular consequence: missense variant.
Genome position (GRCh38, 1-based): chr22:25,832,972, C>T. VCF-style: chr22-25832972-C-T. GRCh37 (hg19) VCF-style: chr22-26228939-C-T.
Other names: c.3035C>T, p.Ala1012Val (NM_001318245.2); short protein forms A1012V.
Identifiers: ClinVar variation 2419184 (VCV002419184.3), dbSNP rs2089766932, ClinGen allele CA411001692.
Genomic context (GRCh38, chr22:25,832,972, plus strand): 5'-TCCAGGAAGGTGTTCCTGTGCAGTTTGACCTCCCGGACCCCTCCCCAGGGACCACCGTGG[C>T]TGTTGTGGATCAAAATCCCTCTCAGGTAACACAGGGCCCAGCCAATCCAGGCTCTCAGAT-3'
Protein context (NP_115997.5, residues 1002-1022): LPDPSPGTTV[Ala1012Val]VVDQNPSQVR

ClinVar aggregate classification (germline): Uncertain significance (1 of 4 stars; one submission).

Allele frequency attached by ClinVar (database versions not stated): gnomAD 0.00001; TOPMed 0.00001; gnomAD exomes 0.00003.
gnomAD v4.1: 46 of 1,613,746 alleles (0.0029%); highest among the groups gnomAD compares: Non-Finnish European, 0.0037%; no homozygotes.

Submission:

Labcorp Genetics (formerly Invitae), Labcorp
Classification: Uncertain significance. Last evaluated: 2021-12-13. Review status: criteria provided, single submitter. Criteria: Invitae Variant Classification Sherloc (09022015). Collection method: clinical testing. Allele origin: germline.
Comment: This sequence change replaces alanine, which is neutral and non-polar, with valine, which is neutral and non-polar, at codon 1012 of the MYO18B protein (p.Ala1012Val). In summary, the available evidence is currently insufficient to determine the role of this variant in disease. Therefore, it has been classified as a Variant of Uncertain Significance. Algorithms developed to predict the effect of missense changes on protein structure and function are either unavailable or do not agree on the potential impact of this missense change (SIFT: "Not Available"; PolyPhen-2: "Possibly Damaging"; Align-GVGD: "Not Available"). This variant has not been reported in the literature in individuals affected with MYO18B-related conditions. This variant is not present in population databases (gnomAD no frequency).